The following is an entry in ClinVar:

NM_000548.5(TSC2):c.226C>T (p.His76Tyr)

Gene: TSC2 (TSC complex subunit 2; plus strand). Cytogenetic location: 16p13.3.
Variant type: single nucleotide variant.
Coding change: c.226C>T on transcript NM_000548.5 (MANE Select); coding-DNA position 226, C replaced by T.
Protein change: p.His76Tyr; replaces histidine 76 with tyrosine.
Molecular consequence: missense variant. On other transcripts: intron variant (2).
Genome position (GRCh38, 1-based): chr16:2,053,342, C>T. VCF-style: chr16-2053342-C-T. GRCh37 (hg19) VCF-style: chr16-2103343-C-T.
Other names: p.H76Y:CAC>TAC; c.226C>T (NM_000548.4); c.226C>T, p.His76Tyr (NM_001077183.3, NM_001114382.3, NM_001363528.2 and 3 more transcripts); c.79C>T, p.His27Tyr (NM_001318829.2); c.259C>T, p.His87Tyr (NM_001318832.2); c.226-954C>T (NM_001318827.2); c.-1-2854C>T (NM_001318831.2); short protein forms H76Y, H87Y, H27Y.
Identifiers: ClinVar variation 207787 (VCV000207787.53), dbSNP rs574779350, ClinGen allele CA038111.

ClinVar aggregate classification (germline): Conflicting classifications of pathogenicity. Review status: criteria provided, conflicting classifications (1 of 4 stars). 12 submissions from 12 submitters: Uncertain significance (2); Benign (6); Likely benign (4). Last evaluated 2025-12-31.

Conditions:
Tuberous sclerosis syndrome (TSC). Also called: Tuberous Sclerosis Complex; Tuberous sclerosis. Identifiers: Orphanet 805, MedGen C0041341, MONDO:0001734.
TSC2-related disorder. Also called: TSC2-Related Disorders; TSC2-related condition.
Tuberous sclerosis 2 (TSC2). Identifiers: Orphanet 805, MedGen C1860707, MONDO:0013199, OMIM 613254.
Hereditary cancer-predisposing syndrome. Also called: Tumor predisposition; Neoplastic Syndromes, Hereditary; Hereditary Cancer Syndrome; Hereditary neoplastic syndrome. Identifiers: Orphanet 140162, MedGen C0027672, MeSH D009386, MONDO:0015356.

Allele frequency attached by ClinVar (database versions not stated): gnomAD below 0.00001 and 0.00006; TOPMed 0.00003; gnomAD exomes 0.00009 and 0.00015; ExAC 0.00045; 1000 Genomes Project 0.00060; 1000 Genomes Project 30x 0.00078.

Submissions (12):

Labcorp Genetics (formerly Invitae), Labcorp
Classification: Benign for Tuberous sclerosis 2. Last evaluated: 2025-12-31. Review status: criteria provided, single submitter. Criteria: Invitae Variant Classification Sherloc (09022015). Collection method: clinical testing. Allele origin: germline.

PreventionGenetics, part of Exact Sciences
Classification: Likely benign for TSC2-related condition. Last evaluated: 2025-07-18. Review status: criteria provided, single submitter. Criteria: ACMG Guidelines, 2015. Collection method: clinical testing. Allele origin: germline.
Comment: This variant is classified as likely benign based on ACMG/AMP sequence variant interpretation guidelines (Richards et al. 2015 PMID: 25741868, with internal and published modifications).

Myriad Genetics, Inc.
Classification: Likely benign for Tuberous sclerosis 2. Last evaluated: 2024-08-13. Review status: criteria provided, single submitter. Criteria: Myriad Autosomal Dominant, Autosomal Recessive and X-Linked Classification Criteria (2023). Collection method: clinical testing. Allele origin: unknown.
Comment: This variant is considered likely benign. This variant has been observed at a population frequency that is significantly greater than expected given the associated disease prevalence and penetrance.

CeGaT Center for Human Genetics Tuebingen
Classification: Likely benign. Last evaluated: 2023-12-01. Review status: criteria provided, single submitter. Criteria: CeGaT Center For Human Genetics Tuebingen Variant Classification Criteria Version 2. Collection method: clinical testing. Allele origin: germline. Affected: yes. Observed: 1 variant allele.
Comment: TSC2: PP3, BS1

Revvity Omics, Revvity
Classification: Uncertain significance for Tuberous sclerosis 2. Last evaluated: 2023-06-07. Review status: criteria provided, single submitter. Criteria: ACMG Guidelines, 2015. Collection method: clinical testing. Allele origin: germline.

Quest Diagnostics Nichols Institute San Juan Capistrano
Classification: Benign. Last evaluated: 2023-02-10. Review status: criteria provided, single submitter. Criteria: Quest Diagnostics criteria. Collection method: clinical testing. Allele origin: unknown.
Comment: The frequency of this variant in the general population is higher than would generally be expected for pathogenic variants in this gene.

Color Diagnostics, LLC DBA Color Health
Classification: Benign for Tuberous sclerosis syndrome. Last evaluated: 2022-07-28. Review status: criteria provided, single submitter. Criteria: ACMG Guidelines, 2015. Collection method: clinical testing. Allele origin: germline.

Ambry Genetics
Classification: Benign for Hereditary cancer-predisposing syndrome. Last evaluated: 2022-06-03. Review status: criteria provided, single submitter. Criteria: Ambry Variant Classification Scheme 2023. Collection method: clinical testing. Allele origin: germline.

Department of Pathology and Laboratory Medicine, Sinai Health System
Classification: Uncertain significance for Tuberous sclerosis 2. Last evaluated: 2021-12-15. Review status: criteria provided, single submitter. Criteria: ACMG Guidelines, 2015. Collection method: clinical testing. Allele origin: germline. Affected: yes.

Genome-Nilou Lab
Classification: Benign for Tuberous sclerosis 2. Last evaluated: 2021-11-07. Review status: criteria provided, single submitter. Criteria: ACMG Guidelines, 2015. Collection method: clinical testing. Allele origin: germline. Affected: no.

GeneDx
Classification: Benign. Last evaluated: 2019-01-29. Review status: criteria provided, single submitter. Criteria: GeneDx Variant Classification Process June 2021. Collection method: clinical testing. Allele origin: germline. Affected: yes.
Comment: This variant is associated with the following publications: (PMID: 28250423)

Illumina Laboratory Services, Illumina
Classification: Likely benign for Tuberous sclerosis syndrome. Last evaluated: 2018-01-13. Review status: criteria provided, single submitter. Criteria: ICSL Variant Classification Criteria 13 December 2019. Collection method: clinical testing. Allele origin: germline.
Comment: This variant was observed in the ICSL laboratory as part of a predisposition screen in an ostensibly healthy population. It had not been previously curated by ICSL or reported in the Human Gene Mutation Database (HGMD: prior to June 1st, 2018), and was therefore a candidate for classification through an automated scoring system. Utilizing variant allele frequency, disease prevalence and penetrance estimates, and inheritance mode, an automated score was calculated to assess if this variant is too frequent to cause the disease. Based on the score and internal cut-off values, a variant classified as likely benign is not then subjected to further curation. The score for this variant resulted in a classification of likely benign for this disease.

Literature cited by the submitters: PubMed 28250423 (cited by Ambry Genetics).